The following is an entry in ClinVar:

NM_001572.5(IRF7):c.1506C>T (p.Pro502=)

Gene: IRF7 (interferon regulatory factor 7; minus strand). Cytogenetic location: 11p15.5.
Variant type: single nucleotide variant.
Coding change: c.1506C>T on transcript NM_001572.5 (MANE Select); coding-DNA position 1506, C replaced by T.
Protein change: p.Pro502=; no amino-acid change (proline 502 retained).
Molecular consequence: synonymous variant.
Genome position (GRCh38, 1-based): chr11:612,651, G>A on the plus strand (C>T on the coding strand, the complement: IRF7 is on the minus strand). VCF-style: chr11-612651-G-A. GRCh37 (hg19) VCF-style: chr11-612651-G-A.
Other names: c.1419C>T, p.Pro473= (NM_004029.4); c.1545C>T, p.Pro515= (NM_004031.4).
Identifiers: ClinVar variation 2168332 (VCV002168332.12), dbSNP rs1856495354, ClinGen allele CA472433981.
Genomic context (GRCh38, chr11:612,651, plus strand): 5'-GGCCAGCTCTAGGTGGGCTGCTCCAGCTTTCTGGAGTTCTCATTAGACTGGGTTCTAGGC[G>A]GGCTGCTCCAGCTCCATAAGGAAGCACTCGATGTCGTCATAGAGGCTGTTGGCGCTGGAC-3'
Protein context (NP_001563.2, residues 492-503): IECFLMELEQ[Pro502=]A

ClinVar aggregate classification (germline): Likely benign. Review status: criteria provided, multiple submitters, no conflicts (2 of 4 stars). 2 submissions from 2 submitters: Likely benign (2). Last evaluated 2025-06-01.

Conditions:
Immunodeficiency 39 (IMD39). Identifiers: Orphanet 574918, MedGen C4225358, MONDO:0014597, OMIM 616345.

Allele frequency attached by ClinVar (database versions not stated): gnomAD exomes below 0.00001.

Submissions (2):

CeGaT Center for Human Genetics Tuebingen
Classification: Likely benign. Last evaluated: 2025-06-01. Review status: criteria provided, single submitter. Criteria: CeGaT Center For Human Genetics Tuebingen Variant Classification Criteria Version 2. Collection method: clinical testing. Allele origin: germline. Affected: yes. Observed: 1 variant allele.
Comment: IRF7: BP4, BP7

Labcorp Genetics (formerly Invitae), Labcorp
Classification: Likely benign for Immunodeficiency 39. Last evaluated: 2023-07-26. Review status: criteria provided, single submitter. Criteria: Invitae Variant Classification Sherloc (09022015). Collection method: clinical testing. Allele origin: germline.